The following is an entry in ClinVar:

NM_000719.7(CACNA1C):c.4900C>T (p.Arg1634Cys)

Genes: CACNA1C (calcium voltage-gated channel subunit alpha1 C; plus strand), CACNA1C-AS1 (CACNA1C antisense RNA 1; minus strand). Cytogenetic location: 12p13.33.
Variant type: single nucleotide variant.
Coding change: c.4900C>T on transcript NM_000719.7 (MANE Select); coding-DNA position 4900, C replaced by T.
Protein change: p.Arg1634Cys; replaces arginine 1634 with cysteine.
Molecular consequence: missense variant. On other transcripts: non-coding transcript variant (1).
Genome position (GRCh38, 1-based): chr12:2,677,165, C>T. VCF-style: chr12-2677165-C-T. GRCh37 (hg19) VCF-style: chr12-2786331-C-T.
Other names: c.5044C>T, p.Arg1682Cys (NM_001129827.2, NM_199460.4); c.5023C>T, p.Arg1675Cys (NM_001129829.2); c.4900C>T, p.Arg1634Cys (NM_001129830.3, NM_001129840.2, NM_001129841.2 and 4 more transcripts); c.4984C>T, p.Arg1662Cys (NM_001129831.2); c.4960C>T, p.Arg1654Cys (NM_001129832.2); c.4957C>T, p.Arg1653Cys (NM_001129833.2, NM_001129834.2, NM_001129835.2); c.4951C>T, p.Arg1651Cys (NM_001129836.2); c.4924C>T, p.Arg1642Cys (NM_001129837.2, NM_001129838.2); and 3 more; short protein forms R1623C, R1631C, R1634C, R1640C, R1642C, R1651C, R1653C, R1654C.
Identifiers: ClinVar variation 3234370 (VCV003234370.21), dbSNP rs2531957291, ClinGen allele CA383378052.

ClinVar aggregate classification (germline): Uncertain significance. Review status: criteria provided, multiple submitters, no conflicts (2 of 4 stars). 2 submissions from 2 submitters: Uncertain significance (2). Last evaluated 2025-12-15.

Conditions:
Long QT syndrome (LQTS). Identifiers: MedGen C0023976, MeSH D008133, MONDO:0002442. Disease mechanism: loss of function. Inheritance: Various modes of inheritance.

Allele frequency attached by ClinVar (database versions not stated): gnomAD exomes below 0.00001.
gnomAD v4.1: 3 of 1,613,774 alleles (0.00019%); highest among the groups gnomAD compares: Non-Finnish European, 0.00025%; no homozygotes.

Submissions (2):

Labcorp Genetics (formerly Invitae), Labcorp
Classification: Uncertain significance for Long QT syndrome. Last evaluated: 2025-12-15. Review status: criteria provided, single submitter. Criteria: Invitae Variant Classification Sherloc (09022015). Collection method: clinical testing. Allele origin: germline.
Comment: This sequence change replaces arginine, which is basic and polar, with cysteine, which is neutral and slightly polar, at codon 1634 of the CACNA1C protein (p.Arg1634Cys). This variant is not present in population databases (gnomAD no frequency). This variant has not been reported in the literature in individuals affected with CACNA1C-related conditions. ClinVar contains an entry for this variant (Variation ID: 3234370). Invitae Evidence Modeling of protein sequence and biophysical properties (such as structural, functional, and spatial information, amino acid conservation, physicochemical variation, residue mobility, and thermodynamic stability) indicates that this missense variant is expected to disrupt CACNA1C protein function with a positive predictive value of 95%. In summary, the available evidence is currently insufficient to determine the role of this variant in disease. Therefore, it has been classified as a Variant of Uncertain Significance.

CeGaT Center for Human Genetics Tuebingen
Classification: Uncertain significance. Last evaluated: 2024-04-01. Review status: criteria provided, single submitter. Criteria: CeGaT Center For Human Genetics Tuebingen Variant Classification Criteria Version 2. Collection method: clinical testing. Allele origin: germline. Affected: yes. Observed: 1 variant allele.
Comment: CACNA1C: PM2, PP2